The following is an entry in ClinVar:

NM_006070.6(TFG):c.541_543del (p.Val181del)

Gene: TFG (trafficking from ER to golgi regulator; plus strand). Cytogenetic location: 3q12.2.
Variant type: Deletion.
Coding change: c.541_543del on transcript NM_006070.6 (MANE Select); coding-DNA positions 541 to 543, 3 bases deleted (GTT; older notation c.541_543delGTT).
Protein change: p.Val181del; deletes valine 181.
Molecular consequence: inframe deletion.
Genome position (GRCh38, 1-based): chr3:100,732,633-100,732,635, GTT deleted; deleting any 3 consecutive bases within chr3:100,732,632-100,732,635 gives the same sequence; the c. name uses the placement nearest the transcript's 3' end. VCF-style (leftmost placement, unchanged base first): chr3-100732631-ATGT-A. GRCh37 (hg19) VCF-style: chr3-100451475-ATGT-A.
Other names: c.541_543del, p.Val181del (NM_001007565.2, NM_001195478.2, NM_001195479.2); short protein forms V181del.
Identifiers: ClinVar variation 2944387 (VCV002944387.3), dbSNP rs2472108379, ClinGen allele CA2740094545.
Genomic context (GRCh38, chr3:100,732,631, plus strand): 5'-TTATGGCAGCAAGTATGTCTGCTTTTGATCCTTTAAAAAACCAAGATGAAATCAATAAAA[ATGT>A]TATGTCAGCGTTTGGCTTAACAGATGATCAGGTTTCAGGTAAGTTGGTTTCCAACTCCTT-3'

ClinVar aggregate classification (germline): Uncertain significance (1 of 4 stars; one submission).

Conditions:
Hereditary motor and sensory neuropathy, Okinawa type (HMSNO). Also called: HEREDITARY MOTOR AND SENSORY NEUROPATHY, PROXIMAL TYPE. Identifiers: Orphanet 90117, MedGen C1858338, MONDO:0011468, OMIM 604484.
Hereditary spastic paraplegia 57. Also called: Spastic paraplegia 57, autosomal recessive. Identifiers: Orphanet 431329, MedGen C3714897, MONDO:0014295, OMIM 615658.

Submission:

Labcorp Genetics (formerly Invitae), Labcorp
Classification: Uncertain significance for Hereditary motor and sensory neuropathy, Okinawa type; Hereditary spastic paraplegia 57. Last evaluated: 2024-04-15. Review status: criteria provided, single submitter. Criteria: Invitae Variant Classification Sherloc (09022015). Collection method: clinical testing. Allele origin: germline.
Comment: This variant, c.541_543del, results in the deletion of 1 amino acid(s) of the TFG protein (p.Val181del), but otherwise preserves the integrity of the reading frame. This variant is not present in population databases (gnomAD no frequency). This variant has not been reported in the literature in individuals affected with TFG-related conditions. Experimental studies and prediction algorithms are not available or were not evaluated, and the functional significance of this variant is currently unknown. In summary, the available evidence is currently insufficient to determine the role of this variant in disease. Therefore, it has been classified as a Variant of Uncertain Significance.